The following is an entry in ClinVar:

ClinVar aggregate classification (germline): Pathogenic. Review status: criteria provided, multiple submitters, no conflicts (2 of 4 stars). 3 submissions from 3 submitters: Pathogenic (3). Last evaluated 2024-09-05.

Conditions:
Neurofibromatosis, type 1 (NF1). Also called: VON RECKLINGHAUSEN DISEASE; NEUROFIBROMATOSIS, TYPE I, SOMATIC; Peripheral type neurofibromatosis; Neurofibromatosis, type I. Identifiers: Orphanet 636, MedGen C0027831, MONDO:0018975, OMIM 162200. Disease mechanism: loss of function.

Submissions (3):

GeneDx
Classification: Pathogenic. Last evaluated: 2024-09-05. Review status: criteria provided, single submitter. Criteria: GeneDx Variant Classification Process June 2021. Collection method: clinical testing. Allele origin: germline. Affected: yes.
Comment: Non-canonical splice site variant demonstrated to result in loss of function (PMID: 32126153); Not observed at significant frequency in large population cohorts (gnomAD); This variant is associated with the following publications: (PMID: 32126153)

Labcorp Genetics (formerly Invitae), Labcorp
Classification: Pathogenic for Neurofibromatosis, type 1. Last evaluated: 2024-03-16. Review status: criteria provided, single submitter. Criteria: Invitae Variant Classification Sherloc (09022015). Collection method: clinical testing. Allele origin: germline.
Comment: This sequence change falls in intron 33 of the NF1 gene. It does not directly change the encoded amino acid sequence of the NF1 protein. RNA analysis indicates that this variant induces altered splicing and may result in an absent or disrupted protein product. This variant is not present in population databases (gnomAD no frequency). This variant has been observed in individual(s) with clinical features of neurofibromatosis type 1 (PMID: 32126153; Invitae). ClinVar contains an entry for this variant (Variation ID: 527490). Studies have shown that this variant results in use of a novel splice site and introduces a premature termination codon (PMID: 32126153). The resulting mRNA is expected to undergo nonsense-mediated decay. For these reasons, this variant has been classified as Pathogenic.

UAB Medical Genomics Laboratory, UAB Medicine
Classification: Pathogenic for Neurofibromatosis, type 1. Last evaluated: 2020-01-20. Review status: criteria provided, single submitter. Criteria: ACMG Guidelines, 2015. Collection method: clinical testing. Allele origin: germline. Affected: yes.

Literature cited by the submitters: PubMed 32126153 (cited by Labcorp Genetics (formerly Invitae), Labcorp and UAB Medical Genomics Laboratory, UAB Medicine).

NM_001042492.3(NF1):c.4578-19A>G

Gene: NF1 (neurofibromin 1; plus strand). Cytogenetic location: 17q11.2.
Variant type: single nucleotide variant.
Coding change: c.4578-19A>G on transcript NM_001042492.3 (MANE Select); 19 bases into the intron before coding-DNA position 4578, A replaced by G.
Molecular consequence: intron variant.
Genome position (GRCh38, 1-based): chr17:31,261,692, A>G. VCF-style: chr17-31261692-A-G. GRCh37 (hg19) VCF-style: chr17-29588710-A-G.
Other names: c.4515-19A>G (NM_000267.4).
Identifiers: ClinVar variation 527490 (VCV000527490.10), dbSNP rs1555618994, ClinGen allele CA658798806.